The following is an entry in ClinVar:

NM_001556.3(IKBKB):c.*53A>G

Gene: IKBKB (inhibitor of nuclear factor kappa B kinase subunit beta; plus strand). Cytogenetic location: 8p11.21.
Variant type: single nucleotide variant.
Coding change: c.*53A>G on transcript NM_001556.3 (MANE Select); 53 bases downstream of the stop codon, A replaced by G.
Molecular consequence: 3 prime UTR variant. On other transcripts: non-coding transcript variant (3).
Genome position (GRCh38, 1-based): chr8:42,331,032, A>G. VCF-style: chr8-42331032-A-G. GRCh37 (hg19) VCF-style: chr8-42188550-A-G.
Other names: c.*53A>G (NM_001190720.3, NM_001242778.2).
Identifiers: ClinVar variation 1279471 (VCV001279471.4), dbSNP rs1057741, ClinGen allele CA12939076.

ClinVar aggregate classification (germline): Benign. Review status: criteria provided, multiple submitters, no conflicts (2 of 4 stars). 3 submissions from 3 submitters: Benign (3). Last evaluated 2023-11-12.

Allele frequency attached by ClinVar (database versions not stated): 1000 Genomes Project 0.94888; TOPMed 0.94545; ESP Exome Variant Server 0.94700; 1000 Genomes Project 30x 0.94691.
gnomAD v4.1: 1,546,547 of 1,609,086 alleles (96%); highest among the groups gnomAD compares: East Asian, 100%; 743,540 homozygotes.

Submissions (3):

Unidad de Genómica Garrahan, Hospital de Pediatría Garrahan
Classification: Benign. Last evaluated: 2023-11-12. Review status: criteria provided, single submitter. Criteria: ACMG Guidelines, 2015. Collection method: clinical testing. Allele origin: germline. Affected: no. Observed: 94 variant alleles.
Comment: This variant is classified as Benign based on local population frequency. This variant was detected in 98% of patients studied by a panel of primary immunodeficiencies. Number of patients: 94. Only high quality variants are reported.

GeneDx
Classification: Benign. Last evaluated: 2018-11-12. Review status: criteria provided, single submitter. Criteria: GeneDx Variant Classification Process June 2021. Collection method: clinical testing. Allele origin: germline. Affected: yes.

Breakthrough Genomics
Classification: Benign. Review status: criteria provided, single submitter. Criteria: ACMG Guidelines, 2015. Collection method: not provided. Allele origin: germline. Inheritance: Autosomal recessive inheritance. Affected: yes.